The following is an entry in ClinVar:

NM_172351.3(CD46):c.464dup (p.Ile156fs)

Gene: CD46 (CD46 molecule; plus strand). Cytogenetic location: 1q32.2.
Variant type: Duplication.
Coding change: c.464dup on transcript NM_172351.3 (MANE Select); coding-DNA position 464, one base duplicated (C; older notation c.464dupC).
Protein change: p.Ile156fs; shifts the reading frame from isoleucine 156.
Molecular consequence: frameshift variant.
Genome position (GRCh38, 1-based): chr1:207,759,713, C duplicated; the last of 5 consecutive C bases (chr1:207,759,709-207,759,713); duplicating any one gives the same sequence. VCF-style (leftmost placement, unchanged base first): chr1-207759708-G-GC. GRCh37 (hg19) VCF-style: chr1-207933053-G-GC.
Other names: c.464dup, p.Ile156fs (NM_002389.4, NM_153826.4, NM_172350.3 and 8 more transcripts); c.464dupC (NM_002389.4); short protein forms I156fs.
Identifiers: ClinVar variation 1162902 (VCV001162902.6), dbSNP rs763131793, ClinGen allele CA2499214421.

ClinVar aggregate classification (germline): Pathogenic (1 of 4 stars; one submission).

Submission:

Mayo Clinic Laboratories, Mayo Clinic
Classification: Pathogenic. Last evaluated: 2021-05-17. Review status: criteria provided, single submitter. Criteria: ACMG Guidelines, 2015. Collection method: clinical testing. Allele origin: germline.
Comment: PVS1; PM2